The following is an entry in ClinVar:

NM_004369.4(COL6A3):c.1478T>C (p.Val493Ala)

Gene: COL6A3 (collagen type VI alpha 3 chain; minus strand). Cytogenetic location: 2q37.3.
Variant type: single nucleotide variant.
Coding change: c.1478T>C on transcript NM_004369.4 (MANE Select); coding-DNA position 1478, T replaced by C.
Protein change: p.Val493Ala; replaces valine 493 with alanine.
Molecular consequence: missense variant.
Genome position (GRCh38, 1-based): chr2:237,381,334, A>G on the plus strand (T>C on the coding strand, the complement: COL6A3 is on the minus strand). VCF-style: chr2-237381334-A-G. GRCh37 (hg19) VCF-style: chr2-238289977-A-G.
Other names: c.257T>C, p.Val86Ala (NM_057164.5, NM_057166.5); c.860T>C, p.Val287Ala (NM_057165.5, NM_057167.4); short protein forms V493A, V86A, V287A.
Identifiers: ClinVar variation 197761 (VCV000197761.59), dbSNP rs116794756, ClinGen allele CA203065.

ClinVar aggregate classification (germline): Conflicting classifications of pathogenicity. Review status: criteria provided, conflicting classifications (1 of 4 stars). 9 submissions from 9 submitters: Uncertain significance (1); Benign (4); Likely benign (3). 1 of the submissions does not count toward it. Last evaluated 2025-12-15.

Conditions:
COL6A3-related disorder. Also called: COL6A3-related condition; COL6A3-related disorders.
Dystonia 27 (DYT27). Identifiers: Orphanet 464440, MedGen C4225336, MONDO:0014627, OMIM 616411.
Collagen 6-related myopathy. Identifiers: MedGen CN117976, MONDO:0100225.
Bethlem myopathy 1A. Also called: MYOPATHY, BENIGN CONGENITAL, WITH CONTRACTURES; Bethlem myopathy 1; Bethlem Muscular Dystrophy. Identifiers: Orphanet 610, MedGen CN029274, MONDO:0024530, OMIM 158810.

Allele frequency attached by ClinVar (database versions not stated): ESP Exome Variant Server 0.00008; gnomAD 0.00030 and 0.00048; gnomAD exomes 0.00044 and 0.00131; TOPMed 0.00072; ExAC 0.00127; 1000 Genomes Project 30x 0.00156; 1000 Genomes Project 0.00200.
gnomAD v4.1: 722 of 1,614,208 alleles (0.045%); highest among the groups gnomAD compares: East Asian, 1.2%; 5 homozygotes.

Submissions (9):

Labcorp Genetics (formerly Invitae), Labcorp
Classification: Benign for Bethlem myopathy 1A. Last evaluated: 2025-12-15. Review status: criteria provided, single submitter. Criteria: Invitae Variant Classification Sherloc (09022015). Collection method: clinical testing. Allele origin: germline.

Blueprint Genetics
Classification: Likely benign. Last evaluated: 2024-10-10. Review status: criteria provided, single submitter. Criteria: ACMG Guidelines, 2015. Collection method: clinical testing. Allele origin: germline.

CeGaT Center for Human Genetics Tuebingen
Classification: Benign. Last evaluated: 2024-04-01. Review status: criteria provided, single submitter. Criteria: CeGaT Center For Human Genetics Tuebingen Variant Classification Criteria Version 2. Collection method: clinical testing. Allele origin: germline. Affected: yes. Observed: 1 variant allele.
Comment: COL6A3: BS1, BS2

Department of Neurology, Xijing Hospital, Fourth Military Medical University
Classification: Uncertain significance for Dystonia 27. Last evaluated: 2022-03-01. Review status: criteria provided, single submitter. Criteria: ACMG Guidelines, 2015. Collection method: clinical testing. Allele origin: germline.

GeneDx
Classification: Benign. Last evaluated: 2021-07-09. Review status: criteria provided, single submitter. Criteria: GeneDx Variant Classification Process June 2021. Collection method: clinical testing. Allele origin: germline. Affected: yes.

Illumina Laboratory Services, Illumina
Classification: Benign for Collagen VI-related myopathy. Last evaluated: 2018-01-13. Review status: criteria provided, single submitter. Criteria: ICSL Variant Classification Criteria 13 December 2019. Collection method: clinical testing. Allele origin: germline.
Comment: This variant was observed in the ICSL laboratory as part of a predisposition screen in an ostensibly healthy population. It had not been previously curated by ICSL or reported in the Human Gene Mutation Database (HGMD: prior to June 1st, 2018), and was therefore a candidate for classification through an automated scoring system. Utilizing variant allele frequency, disease prevalence and penetrance estimates, and inheritance mode, an automated score was calculated to assess if this variant is too frequent to cause the disease. Based on the score and internal cut-off values, a variant classified as benign is not then subjected to further curation. The score for this variant resulted in a classification of benign for this disease.

Eurofins Ntd Llc (ga)
Classification: Likely benign. Last evaluated: 2014-07-21. Review status: criteria provided, single submitter. Criteria: EGL Classification Definitions 2015. Collection method: clinical testing. Allele origin: germline. Observed: 1 variant allele, 1 heterozygote.

Breakthrough Genomics
Classification: Likely benign. Review status: criteria provided, single submitter. Criteria: ACMG Guidelines, 2015. Collection method: not provided. Allele origin: germline. Inheritance: Autosomal recessive inheritance. Affected: yes.

PreventionGenetics, part of Exact Sciences
Classification: Benign for COL6A3-related condition. Last evaluated: 2020-01-27. Review status: no assertion criteria provided. Collection method: clinical testing. Allele origin: germline. Not counted in ClinVar's aggregate classification.
Comment: This variant is classified as benign based on ACMG/AMP sequence variant interpretation guidelines (Richards et al. 2015 PMID: 25741868, with internal and published modifications).